The following is an entry in ClinVar:

NM_025074.7(FRAS1):c.8604+4C>T

Genes: FRAS1 (Fraser extracellular matrix complex subunit 1; plus strand), LOC126807088 (CDK7 strongly-dependent group 2 enhancer GRCh37_chr4:79402250-79403449; plus strand). Cytogenetic location: 4q21.21.
Variant type: single nucleotide variant.
Coding change: c.8604+4C>T on transcript NM_025074.7 (MANE Select); 4 bases into the intron after coding-DNA position 8604, C replaced by T.
Molecular consequence: intron variant.
Genome position (GRCh38, 1-based): chr4:78,481,968, C>T. VCF-style: chr4-78481968-C-T. GRCh37 (hg19) VCF-style: chr4-79403122-C-T.
Identifiers: ClinVar variation 2169794 (VCV002169794.1), dbSNP rs755273777, ClinGen allele CA2978428.

ClinVar aggregate classification (germline): Uncertain significance (1 of 4 stars; one submission).

Allele frequency attached by ClinVar (database versions not stated): ExAC 0.00001; gnomAD exomes 0.00001; TOPMed 0.00002; gnomAD 0.00003.
gnomAD v4.1: 22 of 1,612,208 alleles (0.0014%); highest among the groups gnomAD compares: African/African-American, 0.004%; no homozygotes.

Submission:

Labcorp Genetics (formerly Invitae), Labcorp
Classification: Uncertain significance. Last evaluated: 2022-01-22. Review status: criteria provided, single submitter. Criteria: Invitae Variant Classification Sherloc (09022015). Collection method: clinical testing. Allele origin: germline.
Comment: This sequence change falls in intron 57 of the FRAS1 gene. It does not directly change the encoded amino acid sequence of the FRAS1 protein. It affects a nucleotide within the consensus splice site. The frequency data for this variant in the population databases is considered unreliable, as metrics indicate poor data quality at this position in the gnomAD database. This variant has not been reported in the literature in individuals affected with FRAS1-related conditions. Variants that disrupt the consensus splice site are a relatively common cause of aberrant splicing (PMID: 17576681, 9536098). Algorithms developed to predict the effect of sequence changes on RNA splicing suggest that this variant may disrupt the consensus splice site. In summary, the available evidence is currently insufficient to determine the role of this variant in disease. Therefore, it has been classified as a Variant of Uncertain Significance.

Literature cited by the submitters: PubMed 17576681; PubMed 9536098.